The following is an entry in ClinVar:

NM_021942.6(TRAPPC11):c.1305T>G (p.Leu435=)

Gene: TRAPPC11 (trafficking protein particle complex subunit 11; plus strand). Cytogenetic location: 4q35.1.
Variant type: single nucleotide variant.
Coding change: c.1305T>G on transcript NM_021942.6 (MANE Select); coding-DNA position 1305, T replaced by G.
Protein change: p.Leu435=; no amino-acid change (leucine 435 retained).
Molecular consequence: synonymous variant.
Genome position (GRCh38, 1-based): chr4:183,684,162, T>G. VCF-style: chr4-183684162-T-G. GRCh37 (hg19) VCF-style: chr4-184605315-T-G.
Other names: c.1305T>G, p.Leu435= (NM_199053.3).
Identifiers: ClinVar variation 710537 (VCV000710537.33), dbSNP rs373944670, ClinGen allele CA3151879.

ClinVar aggregate classification (germline): Likely benign. Review status: criteria provided, multiple submitters, no conflicts (2 of 4 stars). 2 submissions from 2 submitters: Likely benign (2). Last evaluated 2025-06-05.

Conditions:
Autosomal recessive limb-girdle muscular dystrophy type R18 (LGMDR18). Also called: Limb-girdle muscular dystrophy, type 2S; MUSCULAR DYSTROPHY, LIMB-GIRDLE, AUTOSOMAL RECESSIVE 18; Autosomal recessive limb-girdle muscular dystrophy type 2S. Identifiers: Orphanet 369840, MedGen C4517996, MONDO:0014144, OMIM 615356.

Allele frequency attached by ClinVar (database versions not stated): TOPMed 0.00006; ESP Exome Variant Server 0.00008.
gnomAD v4.1: 22 of 1,613,858 alleles (0.0014%); highest among the groups gnomAD compares: Non-Finnish European, 0.0019%; no homozygotes.

Submissions (2):

Labcorp Genetics (formerly Invitae), Labcorp
Classification: Likely benign for Autosomal recessive limb-girdle muscular dystrophy type R18. Last evaluated: 2025-06-05. Review status: criteria provided, single submitter. Criteria: Invitae Variant Classification Sherloc (09022015). Collection method: clinical testing. Allele origin: germline.

CeGaT Center for Human Genetics Tuebingen
Classification: Likely benign. Last evaluated: 2023-09-01. Review status: criteria provided, single submitter. Criteria: CeGaT Center For Human Genetics Tuebingen Variant Classification Criteria Version 2. Collection method: clinical testing. Allele origin: germline. Affected: yes. Observed: 1 variant allele.
Comment: TRAPPC11: BP4, BP7